The following is an entry in ClinVar:

ClinVar aggregate classification (germline): Uncertain significance (1 of 4 stars; one submission).

Conditions:
Arrhythmogenic right ventricular dysplasia 9 (ARVD9). Also called: Arrhythmogenic Right Ventricular Dysplasia/Cardiomyopathy 9; ARRHYTHMOGENIC RIGHT VENTRICULAR DYSPLASIA, FAMILIAL, 9. Identifiers: MedGen C1836906, MONDO:0012180, OMIM 609040.

Submission:

Labcorp Genetics (formerly Invitae), Labcorp
Classification: Uncertain significance for Arrhythmogenic right ventricular dysplasia 9. Last evaluated: 2023-12-13. Review status: criteria provided, single submitter. Criteria: Invitae Variant Classification Sherloc (09022015). Collection method: clinical testing. Allele origin: germline.
Comment: This sequence change replaces leucine, which is neutral and non-polar, with methionine, which is neutral and non-polar, at codon 256 of the PKP2 protein (p.Leu256Met). This variant is not present in population databases (gnomAD no frequency). This variant has not been reported in the literature in individuals affected with PKP2-related conditions. An algorithm developed to predict the effect of missense changes on protein structure and function (PolyPhen-2) suggests that this variant is likely to be disruptive. In summary, the available evidence is currently insufficient to determine the role of this variant in disease. Therefore, it has been classified as a Variant of Uncertain Significance.

NM_001005242.3(PKP2):c.766T>A (p.Leu256Met)

Gene: PKP2 (plakophilin 2; minus strand). Cytogenetic location: 12p11.21.
Variant type: single nucleotide variant.
Coding change: c.766T>A on transcript NM_001005242.3 (MANE Select); coding-DNA position 766, T replaced by A.
Protein change: p.Leu256Met; replaces leucine 256 with methionine.
Molecular consequence: missense variant.
Genome position (GRCh38, 1-based): chr12:32,878,114, A>T on the plus strand (T>A on the coding strand, the complement: PKP2 is on the minus strand). VCF-style: chr12-32878114-A-T. GRCh37 (hg19) VCF-style: chr12-33031048-A-T.
Other names: c.766T>A, p.Leu256Met (NM_001407155.1, NM_001407156.1, NM_001407157.1 and 2 more transcripts); c.439T>A, p.Leu147Met (NM_001407158.1, NM_001407159.1, NM_001407160.1 and 1 more transcripts); short protein forms L147M, L256M.
Identifiers: ClinVar variation 2702955 (VCV002702955.3), dbSNP rs1175956469, ClinGen allele CA384362655.